The following is an entry in ClinVar:

ClinVar aggregate classification (germline): Uncertain significance. Review status: criteria provided, multiple submitters, no conflicts (2 of 4 stars). 4 submissions from 4 submitters: Uncertain significance (4). Last evaluated 2025-05-05.

Conditions:
Joubert syndrome 14 (JBTS14). Identifiers: MedGen C3280766, MONDO:0013745, OMIM 614424.
Inborn genetic diseases. Identifiers: MedGen C0950123, MeSH D030342.

Submissions (4):

Ambry Genetics
Classification: Uncertain significance for Inborn genetic diseases. Last evaluated: 2025-05-05. Review status: criteria provided, single submitter. Criteria: Ambry Variant Classification Scheme 2023. Collection method: clinical testing. Allele origin: germline.

Blueprint Genetics
Classification: Uncertain significance. Last evaluated: 2024-11-21. Review status: criteria provided, single submitter. Criteria: ACMG Guidelines, 2015. Collection method: clinical testing. Allele origin: germline.

Labcorp Genetics (formerly Invitae), Labcorp
Classification: Uncertain significance for Joubert syndrome 14. Last evaluated: 2022-08-16. Review status: criteria provided, single submitter. Criteria: Invitae Variant Classification Sherloc (09022015). Collection method: clinical testing. Allele origin: germline.
Comment: This sequence change replaces valine, which is neutral and non-polar, with leucine, which is neutral and non-polar, at codon 364 of the TMEM237 protein (p.Val364Leu). The frequency data for this variant in the population databases is considered unreliable, as metrics indicate poor data quality at this position in the gnomAD database. This variant has not been reported in the literature in individuals affected with TMEM237-related conditions. ClinVar contains an entry for this variant (Variation ID: 1055195). Algorithms developed to predict the effect of missense changes on protein structure and function are either unavailable or do not agree on the potential impact of this missense change (SIFT: "Deleterious"; PolyPhen-2: "Benign"; Align-GVGD: "Class C25"). In summary, the available evidence is currently insufficient to determine the role of this variant in disease. Therefore, it has been classified as a Variant of Uncertain Significance.

GeneDx
Classification: Uncertain significance. Last evaluated: 2019-07-08. Review status: criteria provided, single submitter. Criteria: GeneDx Variant Classification Process June 2021. Collection method: clinical testing. Allele origin: germline. Affected: yes.
Comment: Not observed at a significant frequency in large population cohorts (Lek et al., 2016); In silico analysis, which includes protein predictors and evolutionary conservation, supports that this variant does not alter protein structure/function; Has not been previously published as pathogenic or benign to our knowledge

NM_001044385.3(TMEM237):c.1090G>T (p.Val364Leu)

Gene: TMEM237 (transmembrane protein 237; minus strand). Cytogenetic location: 2q33.1.
Variant type: single nucleotide variant.
Coding change: c.1090G>T on transcript NM_001044385.3 (MANE Select); coding-DNA position 1090, G replaced by T.
Protein change: p.Val364Leu; replaces valine 364 with leucine.
Molecular consequence: missense variant.
Genome position (GRCh38, 1-based): chr2:201,626,095, C>A on the plus strand (G>T on the coding strand, the complement: TMEM237 is on the minus strand). VCF-style: chr2-201626095-C-A. GRCh37 (hg19) VCF-style: chr2-202490818-C-A.
Other names: c.1090G>T (NM_001044385.1); c.1066G>T, p.Val356Leu (NM_152388.4); short protein forms V356L, V364L.
Identifiers: ClinVar variation 1055195 (VCV001055195.7), dbSNP rs138509553, ClinGen allele CA350304553.